The following is an entry in ClinVar:

NM_013254.4(TBK1):c.574A>G (p.Lys192Glu)

Gene: TBK1 (TANK binding kinase 1; plus strand). Cytogenetic location: 12q14.2.
Variant type: single nucleotide variant.
Coding change: c.574A>G on transcript NM_013254.4 (MANE Select); coding-DNA position 574, A replaced by G.
Protein change: p.Lys192Glu; replaces lysine 192 with glutamic acid.
Molecular consequence: missense variant.
Genome position (GRCh38, 1-based): chr12:64,474,263, A>G. VCF-style: chr12-64474263-A-G. GRCh37 (hg19) VCF-style: chr12-64868043-A-G.
Other names: short protein forms K192E.
Identifiers: ClinVar variation 1318547 (VCV001318547.7), dbSNP rs781700275, ClinGen allele CA238255516.
Genomic context (GRCh38, chr12:64,474,263, plus strand): 5'-ATTTTTTTCTTTTTTTTTTAATCTTAGCACCCTGATATGTATGAGAGAGCAGTGCTAAGA[A>G]AAGATCATCAGAAGAAATATGGAGCAACAGTTGATCTTTGGAGCATTGGGGTAACATTTT-3'
Protein context (NP_037386.1, residues 182-202): PDMYERAVLR[Lys192Glu]DHQKKYGATV

ClinVar aggregate classification (germline): Uncertain significance. Review status: criteria provided, multiple submitters, no conflicts (2 of 4 stars). 3 submissions from 3 submitters: Uncertain significance (2). 1 of the submissions does not count toward it. Last evaluated 2022-09-01.

Conditions:
Frontotemporal dementia and/or amyotrophic lateral sclerosis 4. Also called: FTDALS4. Identifiers: Orphanet 275872, MedGen C4225325, MONDO:0014641, OMIM 616439.
TBK1-related disorder. Also called: TBK1-related condition.

Allele frequency attached by ClinVar (database versions not stated): gnomAD exomes 0.00001.
gnomAD v4.1: 10 of 1,614,050 alleles (0.00062%); highest among the groups gnomAD compares: South Asian, 0.0011%; no homozygotes.

Submissions (3):

Labcorp Genetics (formerly Invitae), Labcorp
Classification: Uncertain significance for Frontotemporal dementia and/or amyotrophic lateral sclerosis 4. Last evaluated: 2022-09-01. Review status: criteria provided, single submitter. Criteria: Invitae Variant Classification Sherloc (09022015). Collection method: clinical testing. Allele origin: germline.
Comment: This sequence change replaces lysine, which is basic and polar, with glutamic acid, which is acidic and polar, at codon 192 of the TBK1 protein (p.Lys192Glu). This variant is not present in population databases (gnomAD no frequency). In summary, the available evidence is currently insufficient to determine the role of this variant in disease. Therefore, it has been classified as a Variant of Uncertain Significance. Advanced modeling of protein sequence and biophysical properties (such as structural, functional, and spatial information, amino acid conservation, physicochemical variation, residue mobility, and thermodynamic stability) performed at Invitae indicates that this missense variant is not expected to disrupt TBK1 protein function. ClinVar contains an entry for this variant (Variation ID: 1318547). This variant has not been reported in the literature in individuals affected with TBK1-related conditions.

GeneDx
Classification: Uncertain significance. Last evaluated: 2019-12-12. Review status: criteria provided, single submitter. Criteria: GeneDx Variant Classification Process June 2021. Collection method: clinical testing. Allele origin: germline. Affected: yes.
Comment: Not observed in large population cohorts (Lek et al., 2016); In silico analysis, which includes protein predictors and evolutionary conservation, supports a deleterious effect; Has not been previously published as pathogenic or benign to our knowledge

PreventionGenetics, part of Exact Sciences
Classification: Uncertain significance for TBK1-related condition. Last evaluated: 2024-07-03. Review status: no assertion criteria provided. Collection method: clinical testing. Allele origin: germline. Not counted in ClinVar's aggregate classification.
Comment: The TBK1 c.574A>G variant is predicted to result in the amino acid substitution p.Lys192Glu. To our knowledge, this variant has not been reported in the literature or in a large population database, indicating this variant is rare. At this time, the clinical significance of this variant is uncertain due to the absence of conclusive functional and genetic evidence.